The following is an entry in ClinVar:

ClinVar aggregate classification (germline): Conflicting classifications of pathogenicity. Review status: criteria provided, conflicting classifications (1 of 4 stars). 3 submissions from 3 submitters: Uncertain significance (1); Likely benign (2). Last evaluated 2026-01-05.

Conditions:
Familial hemophagocytic lymphohistiocytosis 5. Also called: STXBP2-Related Familial Hemophagocytic Lymphohistiocytosis (STXBP2-fHLH). Identifiers: Orphanet 540, MedGen C2751293, MONDO:0013135, OMIM 613101.

Allele frequency attached by ClinVar (database versions not stated): gnomAD 0.00007 and 0.00008; TOPMed 0.00008; ESP Exome Variant Server 0.00015.

Submissions (3):

Labcorp Genetics (formerly Invitae), Labcorp
Classification: Likely benign for Familial hemophagocytic lymphohistiocytosis 5. Last evaluated: 2026-01-05. Review status: criteria provided, single submitter. Criteria: Invitae Variant Classification Sherloc (09022015). Collection method: clinical testing. Allele origin: germline.

Mayo Clinic Laboratories, Mayo Clinic
Classification: Likely benign. Last evaluated: 2025-09-24. Review status: criteria provided, single submitter. Criteria: ACMG Guidelines, 2015. Collection method: clinical testing. Allele origin: germline. Observed: 1 variant allele.
Comment: BP4, BP7

Illumina Laboratory Services, Illumina
Classification: Uncertain significance for Familial hemophagocytic lymphohistiocytosis 5. Last evaluated: 2018-01-13. Review status: criteria provided, single submitter. Criteria: ICSL Variant Classification Criteria 13 December 2019. Collection method: clinical testing. Allele origin: germline.

NM_006949.4(STXBP2):c.333C>T (p.Pro111=)

Gene: STXBP2 (syntaxin binding protein 2; plus strand). Cytogenetic location: 19p13.2.
Variant type: single nucleotide variant.
Coding change: c.333C>T on transcript NM_006949.4 (MANE Select); coding-DNA position 333, C replaced by T.
Protein change: p.Pro111=; no amino-acid change (proline 111 retained).
Molecular consequence: synonymous variant. On other transcripts: non-coding transcript variant (1).
Genome position (GRCh38, 1-based): chr19:7,640,907, C>T. VCF-style: chr19-7640907-C-T. GRCh37 (hg19) VCF-style: chr19-7705793-C-T.
Other names: p.Pro111=; c.324C>T, p.Pro108= (NM_001127396.3); c.366C>T, p.Pro122= (NM_001272034.2).
Identifiers: ClinVar variation 330548 (VCV000330548.17), dbSNP rs144233139, ClinGen allele CA9143594.